The following is an entry in ClinVar:

ClinVar aggregate classification (germline): Benign/Likely benign. Review status: criteria provided, multiple submitters, no conflicts (2 of 4 stars). 8 submissions from 6 submitters: Benign (2); Likely benign (6). Last evaluated 2026-08-01.

Conditions:
Retinitis pigmentosa (RP). Identifiers: Orphanet 791, MedGen C0035334, MeSH D012174, MONDO:0019200, OMIM 268000. Inheritance: Autosomal dominant, autosomal recessive and X linked inheritance.
Retinitis pigmentosa 35 (RP35). Identifiers: Orphanet 791, MedGen C1853214, MONDO:0012463, OMIM 610282.
Cone-rod dystrophy 10 (CORD10). Identifiers: Orphanet 1872, MedGen C1846529, MONDO:0012464, OMIM 610283.

Allele frequency attached by ClinVar (database versions not stated): gnomAD 0.00399 and 0.00372; 1000 Genomes Project 30x 0.00500; 1000 Genomes Project 0.00559; gnomAD exomes 0.00032 and 0.00083; ExAC 0.00098; TOPMed 0.00368; ESP Exome Variant Server 0.00377.

Submissions (8):

CeGaT Center for Human Genetics Tuebingen
Classification: Likely benign. Last evaluated: 2026-08-01. Review status: criteria provided, single submitter. Criteria: CeGaT Center For Human Genetics Tuebingen Variant Classification Criteria Version 2. Collection method: clinical testing. Allele origin: germline. Affected: yes. Observed: 1 variant allele.
Comment: SEMA4A: BP4, BS1

Labcorp Genetics (formerly Invitae), Labcorp
Classification: Benign. Last evaluated: 2026-01-20. Review status: criteria provided, single submitter. Criteria: Invitae Variant Classification Sherloc (09022015). Collection method: clinical testing. Allele origin: germline.

Blueprint Genetics
Classification: Likely benign. Last evaluated: 2024-08-06. Review status: criteria provided, single submitter. Criteria: ACMG Guidelines, 2015. Collection method: clinical testing. Allele origin: germline.

Genome-Nilou Lab
Classification: Likely benign for Cone-rod dystrophy 10. Last evaluated: 2023-04-11. Review status: criteria provided, single submitter. Criteria: ACMG Guidelines, 2015. Collection method: clinical testing. Allele origin: germline. Affected: no.

Genome-Nilou Lab
Classification: Likely benign for Retinitis pigmentosa 35. Last evaluated: 2023-04-11. Review status: criteria provided, single submitter. Criteria: ACMG Guidelines, 2015. Collection method: clinical testing. Allele origin: germline. Affected: no.

Illumina Laboratory Services, Illumina
Classification: Likely benign for Cone-rod dystrophy 10. Last evaluated: 2018-01-12. Review status: criteria provided, single submitter. Criteria: ICSL Variant Classification Criteria 13 December 2019. Collection method: clinical testing. Allele origin: germline.
Comment: This variant was observed in the ICSL laboratory as part of a predisposition screen in an ostensibly healthy population. It had not been previously curated by ICSL or reported in the Human Gene Mutation Database (HGMD: prior to June 1st, 2018), and was therefore a candidate for classification through an automated scoring system. Utilizing variant allele frequency, disease prevalence and penetrance estimates, and inheritance mode, an automated score was calculated to assess if this variant is too frequent to cause the disease. Based on the score and internal cut-off values, a variant classified as likely benign is not then subjected to further curation. The score for this variant resulted in a classification of likely benign for this disease.

Illumina Laboratory Services, Illumina
Classification: Benign for Retinitis pigmentosa. Last evaluated: 2018-01-12. Review status: criteria provided, single submitter. Criteria: ICSL Variant Classification Criteria 13 December 2019. Collection method: clinical testing. Allele origin: germline.
Comment: This variant was observed in the ICSL laboratory as part of a predisposition screen in an ostensibly healthy population. It had not been previously curated by ICSL or reported in the Human Gene Mutation Database (HGMD: prior to June 1st, 2018), and was therefore a candidate for classification through an automated scoring system. Utilizing variant allele frequency, disease prevalence and penetrance estimates, and inheritance mode, an automated score was calculated to assess if this variant is too frequent to cause the disease. Based on the score and internal cut-off values, a variant classified as benign is not then subjected to further curation. The score for this variant resulted in a classification of benign for this disease.

Breakthrough Genomics
Classification: Likely benign. Review status: criteria provided, single submitter. Criteria: ACMG Guidelines, 2015. Collection method: not provided. Allele origin: germline. Inheritance: Autosomal recessive inheritance. Affected: yes.

NM_022367.4(SEMA4A):c.2027C>T (p.Ala676Val)

Gene: SEMA4A (semaphorin 4A; plus strand). Cytogenetic location: 1q22.
Variant type: single nucleotide variant.
Coding change: c.2027C>T on transcript NM_022367.4 (MANE Select); coding-DNA position 2027, C replaced by T.
Protein change: p.Ala676Val; replaces alanine 676 with valine.
Molecular consequence: missense variant.
Genome position (GRCh38, 1-based): chr1:156,176,738, C>T. VCF-style: chr1-156176738-C-T. GRCh37 (hg19) VCF-style: chr1-156146529-C-T.
Other names: c.2027C>T, p.Ala676Val (NM_001193300.2, NM_001193301.2, NM_001370567.1); c.1631C>T, p.Ala544Val (NM_001193302.2); c.1730C>T, p.Ala577Val (NM_001370568.1); c.1520C>T, p.Ala507Val (NM_001370569.1, NM_001370571.1); short protein forms A577V, A544V, A676V, A507V.
Identifiers: ClinVar variation 719457 (VCV000719457.18), dbSNP rs75447909, ClinGen allele CA1155510.